The following is an entry in ClinVar:

NM_015570.4(AUTS2):c.377G>A (p.Arg126Gln)

Gene: AUTS2 (activator of transcription and developmental regulator AUTS2; plus strand). Cytogenetic location: 7q11.22.
Variant type: single nucleotide variant.
Coding change: c.377G>A on transcript NM_015570.4 (MANE Select); coding-DNA position 377, G replaced by A.
Protein change: p.Arg126Gln; replaces arginine 126 with glutamine.
Molecular consequence: missense variant.
Genome position (GRCh38, 1-based): chr7:69,899,353, G>A. VCF-style: chr7-69899353-G-A. GRCh37 (hg19) VCF-style: chr7-69364339-G-A.
Other names: c.377G>A, p.Arg126Gln (NM_001127231.3, NM_001127232.3); short protein forms R126Q.
Identifiers: ClinVar variation 1706197 (VCV001706197.3), dbSNP rs1350727148, ClinGen allele CA367703459.
Genomic context (GRCh38, chr7:69,899,353, plus strand): 5'-TAGCACTTAAGCCTCAGGAACGTGTGGAGAAACGCCAGACGCCCCTGACCAAGAAGAAAC[G>A]AGAAGCACTTACCAATGGCTTGTCCTTTCATTCAAAGAAGAGCAGACTCAGCCACCCACA-3'
Protein context (NP_056385.1, residues 116-136): KRQTPLTKKK[Arg126Gln]EALTNGLSFH

ClinVar aggregate classification (germline): Uncertain significance (1 of 4 stars; one submission).

Allele frequency attached by ClinVar (database versions not stated): TOPMed below 0.00001; gnomAD exomes below 0.00001; gnomAD 0.00001.

Submission:

GeneDx
Classification: Uncertain significance. Last evaluated: 2025-08-19. Review status: criteria provided, single submitter. Criteria: GeneDx Variant Classification Process June 2021. Collection method: clinical testing. Allele origin: germline.
Comment: Not observed at significant frequency in large population cohorts (gnomAD); In silico analysis supports that this missense variant has a deleterious effect on protein structure/function; Has not been previously published as pathogenic or benign to our knowledge